The following is an entry in ClinVar:

NM_001792.5(CDH2):c.1589A>G (p.Gln530Arg)

Gene: CDH2 (cadherin 2; minus strand). Cytogenetic location: 18q12.1.
Variant type: single nucleotide variant.
Coding change: c.1589A>G on transcript NM_001792.5 (MANE Select); coding-DNA position 1589, A replaced by G.
Protein change: p.Gln530Arg; replaces glutamine 530 with arginine.
Molecular consequence: missense variant.
Genome position (GRCh38, 1-based): chr18:27,990,106, T>C on the plus strand (A>G on the coding strand, the complement: CDH2 is on the minus strand). VCF-style: chr18-27990106-T-C. GRCh37 (hg19) VCF-style: chr18-25570070-T-C.
Other names: c.1496A>G, p.Gln499Arg (NM_001308176.2); c.1589A>G (NM_001792.3); short protein forms Q499R, Q530R.
Identifiers: ClinVar variation 1963466 (VCV001963466.6), dbSNP rs1189336898, ClinGen allele CA402108764.
Genomic context (GRCh38, chr18:27,990,106, plus strand): 5'-CAGCATAGAACATAAGTAAGCTACAAAAACACTACAAACAGCATTTCATACCTAATATTT[T>C]GCTGCATATATCGATCTGGGTCCTGAGCAGTGAATGTTGTCAACATGGTACCGGCATGAA-3'
Protein context (NP_001783.2, residues 520-540): TAQDPDRYMQ[Gln530Arg]NIRYTKLSDP

ClinVar aggregate classification (germline): Uncertain significance. Review status: criteria provided, multiple submitters, no conflicts (2 of 4 stars). 2 submissions from 2 submitters: Uncertain significance (2). Last evaluated 2024-04-23.

Conditions:
Inborn genetic diseases. Identifiers: MedGen C0950123, MeSH D030342.

Allele frequency attached by ClinVar (database versions not stated): TOPMed below 0.00001; gnomAD 0.00001.
gnomAD v4.1: 4 of 1,613,720 alleles (0.00025%); highest among the groups gnomAD compares: Admixed American, 0.0033%; no homozygotes.

Submissions (2):

Ambry Genetics
Classification: Uncertain significance for Inborn genetic diseases. Last evaluated: 2024-04-23. Review status: criteria provided, single submitter. Criteria: Ambry Variant Classification Scheme 2023. Collection method: clinical testing. Allele origin: germline.
Comment: The p.Q530R variant (also known as c.1589A>G), located in coding exon 10 of the CDH2 gene, results from an A to G substitution at nucleotide position 1589. The glutamine at codon 530 is replaced by arginine, an amino acid with highly similar properties. This amino acid position is conserved. In addition, this alteration is predicted to be deleterious by in silico analysis. Based on the available evidence, the clinical significance of this variant remains unclear.

Labcorp Genetics (formerly Invitae), Labcorp
Classification: Uncertain significance. Last evaluated: 2022-04-15. Review status: criteria provided, single submitter. Criteria: Invitae Variant Classification Sherloc (09022015). Collection method: clinical testing. Allele origin: germline.
Comment: In summary, the available evidence is currently insufficient to determine the role of this variant in disease. Therefore, it has been classified as a Variant of Uncertain Significance. Algorithms developed to predict the effect of missense changes on protein structure and function (SIFT, PolyPhen-2, Align-GVGD) all suggest that this variant is likely to be disruptive. This variant has not been reported in the literature in individuals affected with CDH2-related conditions. This variant is present in population databases (no rsID available, gnomAD 0.006%). This sequence change replaces glutamine, which is neutral and polar, with arginine, which is basic and polar, at codon 530 of the CDH2 protein (p.Gln530Arg).